The following is an entry in ClinVar:

ClinVar aggregate classification (germline): Uncertain significance (1 of 4 stars; one submission).

Conditions:
Hereditary cancer-predisposing syndrome. Also called: Hereditary Cancer Syndrome; Tumor predisposition; Hereditary neoplastic syndrome; Neoplastic Syndromes, Hereditary. Identifiers: Orphanet 140162, MedGen C0027672, MeSH D009386, MONDO:0015356.

Submission:

Ambry Genetics
Classification: Uncertain significance for Hereditary cancer-predisposing syndrome. Last evaluated: 2024-11-12. Review status: criteria provided, single submitter. Criteria: Ambry Variant Classification Scheme 2023. Collection method: clinical testing. Allele origin: germline.
Comment: The p.F523I variant (also known as c.1567T>A), located in coding exon 4 of the MET gene, results from a T to A substitution at nucleotide position 1567. The phenylalanine at codon 523 is replaced by isoleucine, an amino acid with highly similar properties. This amino acid position is conserved. In addition, the in silico prediction for this alteration is inconclusive. Based on the available evidence, the clinical significance of this variant remains unclear.

NM_000245.4(MET):c.1567T>A (p.Phe523Ile)

Gene: MET (MET proto-oncogene, receptor tyrosine kinase; plus strand). Cytogenetic location: 7q31.2.
Variant type: single nucleotide variant.
Coding change: c.1567T>A on transcript NM_000245.4 (MANE Select); coding-DNA position 1567, T replaced by A.
Protein change: p.Phe523Ile; replaces phenylalanine 523 with isoleucine.
Molecular consequence: missense variant.
Genome position (GRCh38, 1-based): chr7:116,740,891, T>A. VCF-style: chr7-116740891-T-A. GRCh37 (hg19) VCF-style: chr7-116380945-T-A.
Other names: c.1567T>A, p.Phe523Ile (NM_001127500.3, NM_001324401.3); c.277T>A, p.Phe93Ile (NM_001324402.2); short protein forms F523I, F93I.
Identifiers: ClinVar variation 3395196 (VCV003395196.1).